The following is an entry in ClinVar:

NM_001110556.2(FLNA):c.5615G>A (p.Gly1872Glu)

Gene: FLNA (filamin A; minus strand). Cytogenetic location: Xq28.
Variant type: single nucleotide variant.
Coding change: c.5615G>A on transcript NM_001110556.2 (MANE Select); coding-DNA position 5615, G replaced by A.
Protein change: p.Gly1872Glu; replaces glycine 1872 with glutamic acid.
Molecular consequence: missense variant.
Genome position (GRCh38, 1-based): chrX:154,353,986, C>T on the plus strand (G>A on the coding strand, the complement: FLNA is on the minus strand). VCF-style: chrX-154353986-C-T. GRCh37 (hg19) VCF-style: chrX-153582354-C-T.
Other names: c.5591G>A, p.Gly1864Glu (NM_001456.4); short protein forms G1864E, G1872E.
Identifiers: ClinVar variation 1303366 (VCV001303366.2), dbSNP rs2148106241, ClinGen allele CA415200779.
Genomic context (GRCh38, chrX:154,353,986, plus strand): 5'-TCCTTGGTGTTGACGGTGAAGGTGGCAGGCTTGTTCACTACTCCATGGGTGAGGCCAGGC[C>T]CATAGGCAGTGACATGGCCACAGTTGACGTAATCCACATAGAACTGCAAGGGGCTTCCTG-3'
Protein context (NP_001104026.1, residues 1862-1882): YVNCGHVTAY[Gly1872Glu]PGLTHGVVNK

ClinVar aggregate classification (germline): Uncertain significance (1 of 4 stars; one submission).

Submission:

GeneDx
Classification: Uncertain significance. Last evaluated: 2020-02-13. Review status: criteria provided, single submitter. Criteria: GeneDx Variant Classification Process June 2021. Collection method: clinical testing. Allele origin: germline. Affected: yes.
Comment: Not observed in large population cohorts (Lek et al., 2016); In silico analysis supports that this missense variant has a deleterious effect on protein structure/function; Has not been previously published as pathogenic or benign to our knowledge